The following is an entry in ClinVar:

ClinVar aggregate classification (germline): Uncertain significance (1 of 4 stars; one submission).

Submission:

GeneDx
Classification: Uncertain significance. Last evaluated: 2023-11-07. Review status: criteria provided, single submitter. Criteria: GeneDx Variant Classification Process June 2021. Collection method: clinical testing. Allele origin: germline. Affected: yes.
Comment: Not observed in large population cohorts (gnomAD); In silico analysis supports that this variant does not alter protein structure/function; Has not been previously published as pathogenic or benign to our knowledge

NM_139215.3(TAF15):c.1338_1341delinsCAGC (p.Gly447Ser)

Gene: TAF15 (TATA-box binding protein associated factor 15; plus strand). Cytogenetic location: 17q12.
Variant type: Indel.
Coding change: c.1338_1341delinsCAGC on transcript NM_139215.3 (MANE Select); coding-DNA positions 1338 to 1341, TGGT replaced by CAGC.
Protein change: p.Gly447Ser; replaces glycine 447 with serine.
Molecular consequence: missense variant.
Genome position (GRCh38, 1-based): chr17:35,844,637-35,844,640, TGGT replaced by CAGC. VCF-style: chr17-35844637-TGGT-CAGC. GRCh37 (hg19) VCF-style: chr17-34171641-TGGT-CAGC.
Other names: c.1329_1332delinsCAGC, p.Gly444Ser (NM_003487.4); short protein forms G444S, G447S.
Identifiers: ClinVar variation 3340792 (VCV003340792.1).